The following is an entry in ClinVar:

ClinVar aggregate classification (germline): Conflicting classifications of pathogenicity. Review status: criteria provided, conflicting classifications (1 of 4 stars). 6 submissions from 6 submitters: Uncertain significance (5); Likely benign (1). Last evaluated 2026-01-26.

Conditions:
Inborn genetic diseases. Identifiers: MedGen C0950123, MeSH D030342.
Congenital hyperammonemia, type I. Also called: Carbamoyl-phosphate synthase I deficiency; CPS I DEFICIENCY; Carbamoyl phosphate synthetase 1 deficiency; Hyperammonemia due to carbamoyl phosphate synthetase 1 deficiency; CPS 1 deficiency; Carbamyl phosphate synthetase (CPS) deficiency. Identifiers: Orphanet 147, MedGen C4082171, MONDO:0009376, OMIM 237300.

Allele frequency attached by ClinVar (database versions not stated): 1000 Genomes Project 30x 0.00016; 1000 Genomes Project 0.00020; TOPMed 0.00026; gnomAD 0.00032 and 0.00035; ExAC 0.00047; ESP Exome Variant Server 0.00062.
gnomAD v4.1: 677 of 1,612,278 alleles (0.042%); highest among the groups gnomAD compares: Non-Finnish European, 0.053%; 1 homozygote.

Submissions (6):

Labcorp Genetics (formerly Invitae), Labcorp
Classification: Likely benign for Congenital hyperammonemia, type I. Last evaluated: 2026-01-26. Review status: criteria provided, single submitter. Criteria: Invitae Variant Classification Sherloc (09022015). Collection method: clinical testing. Allele origin: germline.

Ambry Genetics
Classification: Uncertain significance for Inborn genetic diseases. Last evaluated: 2025-06-05. Review status: criteria provided, single submitter. Criteria: Ambry Variant Classification Scheme 2023. Collection method: clinical testing. Allele origin: germline.

Blueprint Genetics
Classification: Uncertain significance. Last evaluated: 2024-11-14. Review status: criteria provided, single submitter. Criteria: ACMG Guidelines, 2015. Collection method: clinical testing. Allele origin: germline.

Women's Health and Genetics/Laboratory Corporation of America, LabCorp
Classification: Uncertain significance. Last evaluated: 2024-03-04. Review status: criteria provided, single submitter. Criteria: LabCorp Variant Classification Summary - May 2015. Collection method: clinical testing. Allele origin: germline.
Comment: Variant summary: CPS1 c.1918G>T (p.Ala640Ser) results in a conservative amino acid change located in the Carbamoyl-phosphate synthetase large subunit-like, ATP-binding domain of the encoded protein sequence. Three of five in-silico tools predict a benign effect of the variant on protein function. The variant allele was found at a frequency of 0.00034 in 250750 control chromosomes. This frequency is not significantly higher than expected for a pathogenic variant in CPS1 causing Carbamoylphosphate Synthetase I Deficiency (0.00034 vs 0.0016), allowing no conclusion about variant significance. c.1918G>T has been reported in the literature in individuals affected with Carbamoylphosphate Synthetase I Deficiency (Eeds_2006, Makris_2021). These reports do not provide unequivocal conclusions about association of the variant with Carbamoylphosphate Synthetase I Deficiency. To our knowledge, no experimental evidence demonstrating an impact on protein function has been reported. The following publications have been ascertained in the context of this evaluation (PMID: 16737834, 33309754). ClinVar contains an entry for this variant (Variation ID: 898807). Based on the evidence outlined above, the variant was classified as uncertain significance.

Department of Pathology and Laboratory Medicine, Sinai Health System
Classification: Uncertain significance for Congenital hyperammonemia, type I. Last evaluated: 2023-02-21. Review status: criteria provided, single submitter. Criteria: ACMG Guidelines, 2015. Collection method: research. Allele origin: germline.

Illumina Laboratory Services, Illumina
Classification: Uncertain significance for Congenital hyperammonemia, type I. Last evaluated: 2017-04-27. Review status: criteria provided, single submitter. Criteria: ICSL Variant Classification Criteria 13 December 2019. Collection method: clinical testing. Allele origin: germline.
Comment: This variant was observed as part of a predisposition screen in an ostensibly healthy population. A literature search was performed for the gene, cDNA change, and amino acid change (where applicable). Publications were found based on this search. However, the evidence from the literature, in combination with allele frequency data from public databases where available, was not sufficient to rule this variant in or out of causing disease. Therefore, this variant is classified as a variant of unknown significance.

Literature cited by the submitters: PubMed 16737834 (cited by 3 submitters); PubMed 33309854 (cited by Ambry Genetics); PubMed 33309754 (cited by Women's Health and Genetics/Laboratory Corporation of America, LabCorp).

NM_001875.5(CPS1):c.1918G>T (p.Ala640Ser)

Gene: CPS1 (carbamoyl-phosphate synthase 1; plus strand). Cytogenetic location: 2q34.
Variant type: single nucleotide variant.
Coding change: c.1918G>T on transcript NM_001875.5 (MANE Select); coding-DNA position 1918, G replaced by T.
Protein change: p.Ala640Ser; replaces alanine 640 with serine.
Molecular consequence: missense variant. On other transcripts: non-coding transcript variant (2).
Genome position (GRCh38, 1-based): chr2:210,605,183, G>T. VCF-style: chr2-210605183-G-T. GRCh37 (hg19) VCF-style: chr2-211469907-G-T.
Other names: c.1918G>T, p.Ala640Ser (NM_001122633.3, NM_001369257.1); c.1951G>T, p.Ala651Ser (NM_001369256.1); short protein forms A640S, A651S.
Identifiers: ClinVar variation 898807 (VCV000898807.16), dbSNP rs142693704, ClinGen allele CA2086500.
Genomic context (GRCh38, chr2:210,605,183, plus strand): 5'-ATTCTGGTGGAGAAGTCAGTGACAGGTTGGAAAGAAATAGAATATGAAGTGGTTCGAGAT[G>T]CTGATGACAATTGTGTCACTGTCTGTAACATGGAAAATGTTGATGCCATGGGTGTTCACA-3'
Protein context (NP_001866.2, residues 630-650): KEIEYEVVRD[Ala640Ser]DDNCVTVCNM